The following is an entry in ClinVar:

NM_004990.4(MARS1):c.180C>A (p.Phe60Leu)

Gene: MARS1 (methionyl-tRNA synthetase 1; plus strand). Cytogenetic location: 12q13.3.
Variant type: single nucleotide variant.
Coding change: c.180C>A on transcript NM_004990.4 (MANE Select); coding-DNA position 180, C replaced by A.
Protein change: p.Phe60Leu; replaces phenylalanine 60 with leucine.
Molecular consequence: missense variant.
Genome position (GRCh38, 1-based): chr12:57,489,089, C>A. VCF-style: chr12-57489089-C-A. GRCh37 (hg19) VCF-style: chr12-57882872-C-A.
Other names: p.Phe60Leu; short protein forms F60L.
Identifiers: ClinVar variation 3293347 (VCV003293347.4).
Genomic context (GRCh38, chr12:57,489,089, plus strand): 5'-CCCGTTCCTGACCCGGCCTAAGGTCCCTGTCTTGCAGCTGGATAGCGGCAACTACCTCTT[C>A]TCCACTAGTGCAATCTGCCGGTCAGTATTGGTCCTTGGTGTAGGGAGGTGGCTGAATCAA-3'
Protein context (NP_004981.2, residues 50-70): VLQLDSGNYL[Phe60Leu]STSAICRYFF

ClinVar aggregate classification (germline): Uncertain significance. Review status: criteria provided, multiple submitters, no conflicts (2 of 4 stars). 3 submissions from 3 submitters: Uncertain significance (3). Last evaluated 2025-06-25.

Conditions:
Charcot-Marie-Tooth disease axonal type 2U. Also called: CHARCOT-MARIE-TOOTH NEUROPATHY, TYPE 2U; CHARCOT-MARIE-TOOTH DISEASE, AXONAL, AUTOSOMAL DOMINANT, TYPE 2U. Identifiers: Orphanet 397735, MedGen C4084821, MONDO:0014566, OMIM 616280.
Severe early-onset pulmonary alveolar proteinosis due to MARS deficiency. Also called: PULMONARY ALVEOLAR PROTEINOSIS, REUNION ISLAND; Interstitial lung and liver disease. Identifiers: Orphanet 440427, MedGen C4225400, MONDO:0014206, OMIM 615486.

gnomAD v4.1: 21 of 1,613,940 alleles (0.0013%); highest among the groups gnomAD compares: Non-Finnish European, 0.0018%; no homozygotes.

Submissions (3):

Mayo Clinic Laboratories, Mayo Clinic
Classification: Uncertain significance. Last evaluated: 2025-06-25. Review status: criteria provided, single submitter. Criteria: ACMG Guidelines, 2015. Collection method: clinical testing. Allele origin: germline. Observed: 1 variant allele.

Labcorp Genetics (formerly Invitae), Labcorp
Classification: Uncertain significance for Charcot-Marie-Tooth disease axonal type 2U; Severe early-onset pulmonary alveolar proteinosis due to MARS deficiency. Last evaluated: 2024-09-18. Review status: criteria provided, single submitter. Criteria: Invitae Variant Classification Sherloc (09022015). Collection method: clinical testing. Allele origin: germline.
Comment: This sequence change replaces phenylalanine, which is neutral and non-polar, with leucine, which is neutral and non-polar, at codon 60 of the MARS protein (p.Phe60Leu). This variant is present in population databases (rs148642961, gnomAD 0.007%). This variant has not been reported in the literature in individuals affected with MARS-related conditions. An algorithm developed to predict the effect of missense changes on protein structure and function (PolyPhen-2) suggests that this variant is likely to be tolerated. In summary, the available evidence is currently insufficient to determine the role of this variant in disease. Therefore, it has been classified as a Variant of Uncertain Significance.

Ambry Genetics
Classification: Uncertain significance. Last evaluated: 2024-04-04. Review status: criteria provided, single submitter. Criteria: Ambry Variant Classification Scheme 2023. Collection method: clinical testing. Allele origin: germline.